The following is an entry in ClinVar:

NM_198282.4(STING1):c.91G>T (p.Val31Leu)

Gene: STING1 (stimulator of interferon response cGAMP interactor 1; minus strand). Cytogenetic location: 5q31.2.
Variant type: single nucleotide variant.
Coding change: c.91G>T on transcript NM_198282.4 (MANE Select); coding-DNA position 91, G replaced by T.
Protein change: p.Val31Leu; replaces valine 31 with leucine.
Molecular consequence: missense variant. On other transcripts: intron variant (1).
Genome position (GRCh38, 1-based): chr5:139,481,614, C>A on the plus strand (G>T on the coding strand, the complement: STING1 is on the minus strand). VCF-style: chr5-139481614-C-A. GRCh37 (hg19) VCF-style: chr5-138861199-C-A.
Other names: c.91G>T, p.Val31Leu (NM_001301738.2); c.-130-272G>T (NM_001367258.1); short protein forms V31L.
Identifiers: ClinVar variation 1993982 (VCV001993982.4), dbSNP rs2547066612, ClinGen allele CA361481878.

ClinVar aggregate classification (germline): Uncertain significance (1 of 4 stars; one submission).

Conditions:
STING-associated vasculopathy with onset in infancy. Also called: Sting-associated vasculopathy, infantile-onset. Identifiers: Orphanet 425120, MedGen C4014722, MONDO:0014405, OMIM 615934.

Submission:

Labcorp Genetics (formerly Invitae), Labcorp
Classification: Uncertain significance for STING-associated vasculopathy with onset in infancy. Last evaluated: 2022-08-05. Review status: criteria provided, single submitter. Criteria: Invitae Variant Classification Sherloc (09022015). Collection method: clinical testing. Allele origin: germline.
Comment: In summary, the available evidence is currently insufficient to determine the role of this variant in disease. Therefore, it has been classified as a Variant of Uncertain Significance. Algorithms developed to predict the effect of sequence changes on RNA splicing suggest that this variant may create or strengthen a splice site. Algorithms developed to predict the effect of missense changes on protein structure and function output the following: SIFT: "Tolerated"; PolyPhen-2: "Benign"; Align-GVGD: "Class C0". The leucine amino acid residue is found in multiple mammalian species, which suggests that this missense change does not adversely affect protein function. This variant has not been reported in the literature in individuals affected with TMEM173-related conditions. This variant is not present in population databases (gnomAD no frequency). This sequence change replaces valine, which is neutral and non-polar, with leucine, which is neutral and non-polar, at codon 31 of the TMEM173 protein (p.Val31Leu).